The following is an entry in ClinVar:

NM_000553.6(WRN):c.2413G>C (p.Asp805His)

Gene: WRN (WRN RecQ like helicase; plus strand). Cytogenetic location: 8p12.
Variant type: single nucleotide variant.
Coding change: c.2413G>C on transcript NM_000553.6 (MANE Select); coding-DNA position 2413, G replaced by C.
Protein change: p.Asp805His; replaces aspartic acid 805 with histidine.
Molecular consequence: missense variant.
Genome position (GRCh38, 1-based): chr8:31,116,493, G>C. VCF-style: chr8-31116493-G-C. GRCh37 (hg19) VCF-style: chr8-30974009-G-C.
Other names: short protein forms D805H.
Identifiers: ClinVar variation 2013852 (VCV002013852.4), dbSNP rs2535978775, ClinGen allele CA370913943.

ClinVar aggregate classification (germline): Uncertain significance (1 of 4 stars; one submission).

Conditions:
Werner syndrome (WRN). Identifiers: Orphanet 902, MedGen C0043119, MONDO:0010196, OMIM 277700.

Submission:

Labcorp Genetics (formerly Invitae), Labcorp
Classification: Uncertain significance for Werner syndrome. Last evaluated: 2022-07-03. Review status: criteria provided, single submitter. Criteria: Invitae Variant Classification Sherloc (09022015). Collection method: clinical testing. Allele origin: germline.
Comment: Algorithms developed to predict the effect of missense changes on protein structure and function are either unavailable or do not agree on the potential impact of this missense change (SIFT: "Not Available"; PolyPhen-2: "Possibly Damaging"; Align-GVGD: "Not Available"). This variant has not been reported in the literature in individuals affected with WRN-related conditions. This variant is not present in population databases (gnomAD no frequency). This sequence change replaces aspartic acid, which is acidic and polar, with histidine, which is basic and polar, at codon 805 of the WRN protein (p.Asp805His). In summary, the available evidence is currently insufficient to determine the role of this variant in disease. Therefore, it has been classified as a Variant of Uncertain Significance.